The following is an entry in ClinVar:

NM_000051.4(ATM):c.1602T>C (p.Pro534=)

Gene: ATM (ATM serine/threonine kinase; plus strand). Cytogenetic location: 11q22.3.
Variant type: single nucleotide variant.
Coding change: c.1602T>C on transcript NM_000051.4 (MANE Select); coding-DNA position 1602, T replaced by C.
Protein change: p.Pro534=; no amino-acid change (proline 534 retained).
Molecular consequence: synonymous variant.
Genome position (GRCh38, 1-based): chr11:108,251,067, T>C. VCF-style: chr11-108251067-T-C. GRCh37 (hg19) VCF-style: chr11-108121794-T-C.
Other names: c.1602T>C, p.Pro534= (NM_001351834.2).
Identifiers: ClinVar variation 490425 (VCV000490425.17), dbSNP rs1555071275, ClinGen allele CA476744950.

ClinVar aggregate classification (germline): Benign/Likely benign. Review status: criteria provided, multiple submitters, no conflicts (2 of 4 stars). 4 submissions from 4 submitters: Benign (1); Likely benign (3). Last evaluated 2024-05-29.

Conditions:
Hereditary cancer-predisposing syndrome. Also called: Tumor predisposition; Neoplastic Syndromes, Hereditary; Hereditary Cancer Syndrome; Hereditary neoplastic syndrome. Identifiers: Orphanet 140162, MedGen C0027672, MeSH D009386, MONDO:0015356.
Ataxia-telangiectasia syndrome (AT). Also called: Ataxia-telangiectasia; Ataxia-telangiectasia, complementation group D; AT, COMPLEMENTATION GROUP C; LOUIS-BAR SYNDROME; Cerebello-oculocutaneous telangiectasia; Immunodeficiency with ataxia telangiectasia. Identifiers: Orphanet 100, MedGen C0004135, MONDO:0008840, OMIM 208900.
Familial cancer of breast. Also called: BREAST CANCER, FAMILIAL; hereditary breast carcinoma; Hereditary breast cancer. Identifiers: Orphanet 227535, MedGen C0346153, MONDO:0016419, OMIM 114480. Disease mechanism: loss of function.

Submissions (4):

Labcorp Genetics (formerly Invitae), Labcorp
Classification: Likely benign for Ataxia-telangiectasia syndrome. Last evaluated: 2024-05-29. Review status: criteria provided, single submitter. Criteria: Invitae Variant Classification Sherloc (09022015). Collection method: clinical testing. Allele origin: germline.

Myriad Genetics, Inc.
Classification: Benign for Familial cancer of breast. Last evaluated: 2024-04-30. Review status: criteria provided, single submitter. Criteria: Myriad Autosomal Dominant, Autosomal Recessive and X-Linked Classification Criteria (2023). Collection method: clinical testing. Allele origin: unknown.
Comment: This variant is considered benign. This variant is a silent/synonymous amino acid change and it is not expected to impact splicing.

Ambry Genetics
Classification: Likely benign for Hereditary cancer-predisposing syndrome. Last evaluated: 2022-05-05. Review status: criteria provided, single submitter. Criteria: Ambry Variant Classification Scheme 2023. Collection method: clinical testing. Allele origin: germline.

Color Diagnostics, LLC DBA Color Health
Classification: Likely benign for Hereditary cancer-predisposing syndrome. Last evaluated: 2017-10-06. Review status: criteria provided, single submitter. Criteria: ACMG Guidelines, 2015. Collection method: clinical testing. Allele origin: germline.